The following is an entry in ClinVar:

ClinVar aggregate classification (germline): Uncertain significance. Review status: criteria provided, multiple submitters, no conflicts (2 of 4 stars). 2 submissions from 2 submitters: Uncertain significance (2). Last evaluated 2022-05-13.

Conditions:
Lethal congenital glycogen storage disease of heart. Also called: GLYCOGEN STORAGE DISEASE OF HEART; PHOSPHORYLASE KINASE DEFICIENCY OF HEART. Identifiers: Orphanet 439854, MedGen C1849813, MONDO:0009867, OMIM 261740.

gnomAD v4.1: 1 of 1,614,112 alleles (0.000062%); highest among the groups gnomAD compares: Non-Finnish European, 0.000085%; no homozygotes.

Submissions (2):

Labcorp Genetics (formerly Invitae), Labcorp
Classification: Uncertain significance for Lethal congenital glycogen storage disease of heart. Last evaluated: 2022-05-13. Review status: criteria provided, single submitter. Criteria: Invitae Variant Classification Sherloc (09022015). Collection method: clinical testing. Allele origin: germline.
Comment: In summary, the available evidence is currently insufficient to determine the role of this variant in disease. Therefore, it has been classified as a Variant of Uncertain Significance. Algorithms developed to predict the effect of missense changes on protein structure and function are either unavailable or do not agree on the potential impact of this missense change (SIFT: "Tolerated"; PolyPhen-2: "Possibly Damaging"; Align-GVGD: "Class C0"). ClinVar contains an entry for this variant (Variation ID: 423503). This variant has not been reported in the literature in individuals affected with PRKAG2-related conditions. This variant is not present in population databases (gnomAD no frequency). This sequence change replaces arginine, which is basic and polar, with leucine, which is neutral and non-polar, at codon 190 of the PRKAG2 protein (p.Arg190Leu).

GeneDx
Classification: Uncertain significance. Last evaluated: 2017-02-09. Review status: criteria provided, single submitter. Criteria: GeneDx Variant Classification (06012015). Collection method: clinical testing. Allele origin: germline. Affected: yes.
Comment: A variant of uncertain significance has been identified in the PRKAG2 gene. The R190L variant has not been published as pathogenic or been reported as benign to our knowledge. This variant is not observed in large population cohorts (Lek et al., 2016; 1000 Genomes Consortium et al., 2015; Exome Variant Server). The R190L variant is a non-conservative amino acid substitution, which is likely to impact secondary protein structure as these residues differ in polarity, charge, size and/or other properties. This substitution occurs at a position that is conserved across species and in silico analysis suggests that this variant is probably damaging to the protein structure/function. However, this variant lacks observation in a significant number of affected individuals, segregation data, and functional evidence, which would further clarify its pathogenicity.

NM_016203.4(PRKAG2):c.569G>T (p.Arg190Leu)

Gene: PRKAG2 (protein kinase AMP-activated non-catalytic subunit gamma 2; minus strand). Cytogenetic location: 7q36.1.
Variant type: single nucleotide variant.
Coding change: c.569G>T on transcript NM_016203.4 (MANE Select); coding-DNA position 569, G replaced by T.
Protein change: p.Arg190Leu; replaces arginine 190 with leucine.
Molecular consequence: missense variant.
Genome position (GRCh38, 1-based): chr7:151,675,535, C>A on the plus strand (G>T on the coding strand, the complement: PRKAG2 is on the minus strand). VCF-style: chr7-151675535-C-A. GRCh37 (hg19) VCF-style: chr7-151372621-C-A.
Other names: c.437G>T, p.Arg146Leu (NM_001040633.2); c.197G>T, p.Arg66Leu (NM_001304527.2, NM_001363698.2); short protein forms R190L, R146L, R66L.
Identifiers: ClinVar variation 423503 (VCV000423503.6), dbSNP rs551795395, ClinGen allele CA16618418.